The following is an entry in ClinVar:

NM_001039213.4(CEACAM16):c.380A>G (p.His127Arg)

Genes: CEACAM16 (CEA cell adhesion molecule 16, tectorial membrane component; plus strand), CEACAM16-AS1 (CEACAM16, CEACAM19 and PVR antisense RNA 1; minus strand). Cytogenetic location: 19q13.32.
Variant type: single nucleotide variant.
Coding change: c.380A>G on transcript NM_001039213.4 (MANE Select); coding-DNA position 380, A replaced by G.
Protein change: p.His127Arg; replaces histidine 127 with arginine.
Molecular consequence: missense variant.
Genome position (GRCh38, 1-based): chr19:44,703,691, A>G. VCF-style: chr19-44703691-A-G. GRCh37 (hg19) VCF-style: chr19-45206961-A-G.
Other names: short protein forms H127R.
Identifiers: ClinVar variation 4077182 (VCV004077182.2).

ClinVar aggregate classification (germline): Likely pathogenic (1 of 4 stars; one submission).

gnomAD v4.1: 1 of 1,517,062 alleles (0.000066%); highest among the groups gnomAD compares: Non-Finnish European, 0.000089%; no homozygotes.

Submission:

GeneDx
Classification: Likely pathogenic. Last evaluated: 2026-09-24. Review status: criteria provided, single submitter. Criteria: GeneDx Variant Classification Process June 2021. Collection method: clinical testing. Allele origin: germline.
Comment: Not observed at significant frequency in large population cohorts (gnomAD); In silico analysis supports a deleterious effect on splicing; In silico analysis supports that this missense variant has a deleterious effect on protein structure/function; Has not been previously published as pathogenic or benign to our knowledge